The following is an entry in ClinVar:

NM_182914.3(SYNE2):c.3480+9del

Gene: SYNE2 (spectrin repeat containing nuclear envelope protein 2; plus strand). Cytogenetic location: 14q23.2.
Variant type: Deletion.
Coding change: c.3480+9del on transcript NM_182914.3 (MANE Select); 9 bases into the intron after coding-DNA position 3480, one base deleted (C; older notation c.3480+9delC).
Molecular consequence: intron variant.
Genome position (GRCh38, 1-based): chr14:63,999,049, C deleted; the last of 2 consecutive C bases (chr14:63,999,048-63,999,049); deleting either gives the same sequence. VCF-style (leftmost placement, unchanged base first): chr14-63999047-AC-A. GRCh37 (hg19) VCF-style: chr14-64465765-AC-A.
Other names: c.3480+9del (NM_015180.6); c.3480+9delC (NM_182914.3).
Identifiers: ClinVar variation 994812 (VCV000994812.10), dbSNP rs754100176, ClinGen allele CA7219967.

ClinVar aggregate classification (germline): Conflicting classifications of pathogenicity. Review status: criteria provided, conflicting classifications (1 of 4 stars). 3 submissions from 3 submitters: Uncertain significance (1); Likely benign (2). Last evaluated 2026-01-04.

Conditions:
Emery-Dreifuss muscular dystrophy 5, autosomal dominant (EDMD5). Also called: EMERY-DREIFUSS MUSCULAR DYSTROPHY 5. Identifiers: Orphanet 261, MedGen C2751805, MONDO:0013072, OMIM 612999.

Submissions (3):

Labcorp Genetics (formerly Invitae), Labcorp
Classification: Likely benign for Emery-Dreifuss muscular dystrophy 5, autosomal dominant. Last evaluated: 2026-01-04. Review status: criteria provided, single submitter. Criteria: Invitae Variant Classification Sherloc (09022015). Collection method: clinical testing. Allele origin: germline.

Women's Health and Genetics/Laboratory Corporation of America, LabCorp
Classification: Likely benign. Last evaluated: 2025-10-27. Review status: criteria provided, single submitter. Criteria: LabCorp Variant Classification Summary - May 2015. Collection method: clinical testing. Allele origin: germline.
Comment: Variant summary: SYNE2 c.3480+9delC alters a nucleotide located at a position not widely known to affect splicing. Consensus agreement among computation tools predict no significant impact on normal splicing. However, these predictions have yet to be confirmed by functional studies. The variant allele was found at a frequency of 0.00014 in 249008 control chromosomes (gnomAD). This frequency is not significantly higher than estimated for disease-causing variants in SYNE2, allowing no conclusion about variant significance. To our knowledge, no occurrence of c.3480+9delC in individuals affected with SYNE2-related conditions and no experimental evidence demonstrating its impact on protein function have been reported. ClinVar contains an entry for this variant (Variation ID: 994812). Based on the evidence outlined above, the variant was classified as likely benign.

Athena Diagnostics
Classification: Uncertain significance. Last evaluated: 2020-01-24. Review status: criteria provided, single submitter. Criteria: Athena Diagnostics Criteria. Collection method: clinical testing. Allele origin: unknown.